The following is an entry in ClinVar:

ClinVar aggregate classification (germline): Uncertain significance (1 of 4 stars; one submission).

Conditions:
Cornelia de Lange syndrome 1 (CDLS1). Also called: NIPBL-Related Cornelia de Lange Syndrome; TYPUS DEGENERATIVUS AMSTELODAMENSIS; Brachmann de Lange syndrome. Identifiers: Orphanet 199, MedGen C4551851, MONDO:0007387, OMIM 122470.

Submission:

3billion
Classification: Uncertain significance for Cornelia de Lange syndrome 1. Last evaluated: 2025-09-15. Review status: criteria provided, single submitter. Criteria: ACMG Guidelines, 2015. Collection method: clinical testing. Allele origin: germline. Affected: yes.
Comment: The variant is not observed in the gnomAD v4.1.0 dataset. Predicted Consequence/Location: Intron variant In silico tools predict the variant to alter splicing and produce an abnormal transcript [SpliceAI: 0.49 (>=0.2, moderate evidence for spliceogenicity)]. Therefore, this variant is classified as VUS according to the recommendation of ACMG/AMP guideline.

NM_133433.4(NIPBL):c.868+3A>T

Gene: NIPBL (NIPBL cohesin loading factor; plus strand). Cytogenetic location: 5p13.2.
Variant type: single nucleotide variant.
Coding change: c.868+3A>T on transcript NM_133433.4 (MANE Select); 3 bases into the intron after coding-DNA position 868, A replaced by T.
Molecular consequence: intron variant.
Genome position (GRCh38, 1-based): chr5:36,972,044, A>T. VCF-style: chr5-36972044-A-T. GRCh37 (hg19) VCF-style: chr5-36972146-A-T.
Other names: c.868+3A>T (NM_001438586.1, NM_015384.5).
Identifiers: ClinVar variation 4856265 (VCV004856265.1).